The following is an entry in ClinVar:

ClinVar aggregate classification (germline): Benign/Likely benign. Review status: criteria provided, multiple submitters, no conflicts (2 of 4 stars). 7 submissions from 7 submitters: Benign (4); Likely benign (2). 1 of the submissions does not count toward it. Last evaluated 2026-09-01.

Conditions:
ARID1B-Related Disorder. Identifiers: MedGen CN381337.
Inborn genetic diseases. Identifiers: MedGen C0950123, MeSH D030342.

Submissions (7):

CeGaT Center for Human Genetics Tuebingen
Classification: Likely benign. Last evaluated: 2026-09-01. Review status: criteria provided, single submitter. Criteria: CeGaT Center For Human Genetics Tuebingen Variant Classification Criteria Version 2. Collection method: clinical testing. Allele origin: germline. Affected: yes. Observed: 24 variant alleles.
Comment: ARID1B: BS1

Labcorp Genetics (formerly Invitae), Labcorp
Classification: Benign. Last evaluated: 2026-01-31. Review status: criteria provided, single submitter. Criteria: Invitae Variant Classification Sherloc (09022015). Collection method: clinical testing. Allele origin: germline.

GeneDx
Classification: Benign. Last evaluated: 2020-09-17. Review status: criteria provided, single submitter. Criteria: GeneDx Variant Classification Process June 2021. Collection method: clinical testing. Allele origin: germline. Affected: yes.

Ambry Genetics
Classification: Benign for Inborn genetic diseases. Last evaluated: 2018-07-16. Review status: criteria provided, single submitter. Criteria: Ambry Variant Classification Scheme 2023. Collection method: clinical testing. Allele origin: germline.

Genetic Services Laboratory, University of Chicago
Classification: Benign. Last evaluated: 2017-08-09. Review status: criteria provided, single submitter. Criteria: ACMG Guidelines, 2015. Collection method: clinical testing. Allele origin: germline. Affected: no.

Center for Pediatric Genomic Medicine, Children's Mercy Hospital and Clinics
Classification: Likely benign. Last evaluated: 2017-03-17. Review status: criteria provided, single submitter. Criteria: ACMG Guidelines, 2015. Collection method: clinical testing. Allele origin: germline.

PreventionGenetics, part of Exact Sciences
Classification: Benign for ARID1B-related condition. Last evaluated: 2019-02-18. Review status: no assertion criteria provided. Collection method: clinical testing. Allele origin: germline. Not counted in ClinVar's aggregate classification.
Comment: This variant is classified as benign based on ACMG/AMP sequence variant interpretation guidelines (Richards et al. 2015 PMID: 25741868, with internal and published modifications).

NM_001374828.1(ARID1B):c.591GCA[8] (p.Gln214_His215insGln)

Genes: ARID1B (AT-rich interaction domain 1B; plus strand), LOC115308161 (uncharacterized LOC115308161; minus strand). Cytogenetic location: 6q25.3.
Variant type: Microsatellite.
Coding change: c.591GCA[8] on transcript NM_001374828.1 (MANE Select); eight copies in a row of the 3-base unit GCA starting at c.591; the reference has seven copies in a row; one copy, 3 bases duplicated.
Protein change: p.Gln214_His215insGln.
Molecular consequence: inframe insertion. On other transcripts: non-coding transcript variant (1).
Genome position (GRCh38, 1-based): chr6:156,778,289-156,778,291, GCA duplicated; duplicating any 3 consecutive bases within chr6:156,778,269-156,778,291 gives the same sequence; the position shown is the placement nearest the transcript's 3' end. VCF-style (leftmost placement, unchanged base first): chr6-156778268-C-CCAG. GRCh37 (hg19) VCF-style: chr6-157099402-C-CCAG.
Other names: c.360_362dupGCA (NM_020732.3); c.339_340insCAG (NM_020732.3); c.591GCA[8], p.Gln214_His215insGln (NM_001371656.1, NM_001374820.1, NM_017519.3).
Identifiers: ClinVar variation 126327 (VCV000126327.47), dbSNP rs587779743, ClinGen allele CA151052.
Genomic context (GRCh38, chr6:156,778,268, plus strand): 5'-CCACCACCATGCCCACCACCTCCACCACCACCACGCACTACAGCAGCAGCTAAACCAGTT[C>CCAG]CAGCAGCAGCAGCAGCAGCAGCAACAGCAGCAGCAGCAGCAGCAGCAACAGCAACATCCC-3'